The following is an entry in ClinVar:

ClinVar aggregate classification (germline): Benign/Likely benign. Review status: criteria provided, multiple submitters, no conflicts (2 of 4 stars). 2 submissions from 2 submitters: Benign (1); Likely benign (1). Last evaluated 2025-08-12.

Allele frequency attached by ClinVar (database versions not stated): gnomAD exomes 0.00001; ExAC 0.00002.
gnomAD v4.1: 5 of 1,614,188 alleles (0.00031%); highest among the groups gnomAD compares: Middle Eastern, 0.016%; no homozygotes.

Submissions (2):

Labcorp Genetics (formerly Invitae), Labcorp
Classification: Benign. Last evaluated: 2025-08-12. Review status: criteria provided, single submitter. Criteria: Invitae Variant Classification Sherloc (09022015). Collection method: clinical testing. Allele origin: germline.

CeGaT Center for Human Genetics Tuebingen
Classification: Likely benign. Last evaluated: 2024-11-01. Review status: criteria provided, single submitter. Criteria: CeGaT Center For Human Genetics Tuebingen Variant Classification Criteria Version 2. Collection method: clinical testing. Allele origin: germline. Affected: yes. Observed: 1 variant allele.
Comment: KAT6A: BP4, BP7

NM_006766.5(KAT6A):c.2835G>A (p.Glu945=)

Gene: KAT6A (lysine acetyltransferase 6A; minus strand). Cytogenetic location: 8p11.21.
Variant type: single nucleotide variant.
Coding change: c.2835G>A on transcript NM_006766.5 (MANE Select); coding-DNA position 2835, G replaced by A.
Protein change: p.Glu945=; no amino-acid change (glutamic acid 945 retained).
Molecular consequence: synonymous variant.
Genome position (GRCh38, 1-based): chr8:41,941,046, C>T on the plus strand (G>A on the coding strand, the complement: KAT6A is on the minus strand). VCF-style: chr8-41941046-C-T. GRCh37 (hg19) VCF-style: chr8-41798564-C-T.
Identifiers: ClinVar variation 2838294 (VCV002838294.17), dbSNP rs752022353, ClinGen allele CA4729828.